The following is an entry in ClinVar:

NM_024675.4(PALB2):c.3211T>C (p.Phe1071Leu)

Gene: PALB2 (partner and localizer of BRCA2; minus strand). Cytogenetic location: 16p12.2.
Variant type: single nucleotide variant.
Coding change: c.3211T>C on transcript NM_024675.4 (MANE Select); coding-DNA position 3211, T replaced by C.
Protein change: p.Phe1071Leu; replaces phenylalanine 1071 with leucine.
Molecular consequence: missense variant.
Genome position (GRCh38, 1-based): chr16:23,608,003, A>G on the plus strand (T>C on the coding strand, the complement: PALB2 is on the minus strand). VCF-style: chr16-23608003-A-G. GRCh37 (hg19) VCF-style: chr16-23619324-A-G.
Other names: short protein forms F1071L.
Identifiers: ClinVar variation 460980 (VCV000460980.17), dbSNP rs1555458228, ClinGen allele CA395140100.

ClinVar aggregate classification (germline): Uncertain significance. Review status: criteria provided, multiple submitters, no conflicts (2 of 4 stars). 2 submissions from 2 submitters: Uncertain significance (2). Last evaluated 2025-09-23.

Conditions:
Hereditary cancer-predisposing syndrome. Also called: Neoplastic Syndromes, Hereditary; Hereditary Cancer Syndrome; Hereditary neoplastic syndrome; Tumor predisposition. Identifiers: Orphanet 140162, MedGen C0027672, MeSH D009386, MONDO:0015356.
Familial cancer of breast. Also called: BREAST CANCER, FAMILIAL; Hereditary breast cancer; hereditary breast carcinoma. Identifiers: Orphanet 227535, MedGen C0346153, MONDO:0016419, OMIM 114480. Disease mechanism: loss of function.

Submissions (2):

Labcorp Genetics (formerly Invitae), Labcorp
Classification: Uncertain significance for Familial cancer of breast. Last evaluated: 2025-09-23. Review status: criteria provided, single submitter. Criteria: Invitae Variant Classification Sherloc (09022015). Collection method: clinical testing. Allele origin: germline.
Comment: This sequence change replaces phenylalanine, which is neutral and non-polar, with leucine, which is neutral and non-polar, at codon 1071 of the PALB2 protein (p.Phe1071Leu). This variant is not present in population databases (gnomAD no frequency). This variant has not been reported in the literature in individuals affected with PALB2-related conditions. ClinVar contains an entry for this variant (Variation ID: 460980). An algorithm developed to predict the effect of missense changes on protein structure and function (PolyPhen-2) suggests that this variant is likely to be disruptive. In summary, the available evidence is currently insufficient to determine the role of this variant in disease. Therefore, it has been classified as a Variant of Uncertain Significance.

Ambry Genetics
Classification: Uncertain significance for Hereditary cancer-predisposing syndrome. Last evaluated: 2025-04-29. Review status: criteria provided, single submitter. Criteria: Ambry Variant Classification Scheme 2023. Collection method: clinical testing. Allele origin: germline.
Comment: The p.F1071L variant (also known as c.3211T>C), located in coding exon 12 of the PALB2 gene, results from a T to C substitution at nucleotide position 3211. The phenylalanine at codon 1071 is replaced by leucine, an amino acid with highly similar properties. This amino acid position is highly conserved in available vertebrate species. In addition, this alteration is predicted to be tolerated by in silico analysis. Based on the available evidence, the clinical significance of this variant remains unclear.